The following is an entry in ClinVar:

NM_000540.3(RYR1):c.7210G>T (p.Glu2404Ter)

Gene: RYR1 (ryanodine receptor 1; plus strand). Cytogenetic location: 19q13.2.
Variant type: single nucleotide variant.
Coding change: c.7210G>T on transcript NM_000540.3 (MANE Select); coding-DNA position 7210, G replaced by T.
Protein change: p.Glu2404Ter; replaces glutamic acid 2404 with a stop codon.
Molecular consequence: nonsense.
Genome position (GRCh38, 1-based): chr19:38,499,817, G>T. VCF-style: chr19-38499817-G-T. GRCh37 (hg19) VCF-style: chr19-38990457-G-T.
Other names: c.7210G>T, p.Glu2404Ter (NM_001042723.2); short protein forms E2404*.
Identifiers: ClinVar variation 573880 (VCV000573880.1), dbSNP rs111364296, ClinGen allele CA405668873.

ClinVar aggregate classification (germline): Pathogenic (1 of 4 stars; one submission).

Conditions:
RYR1-related disorder. Also called: RYR1-related disorders; RYR1-related condition. Identifiers: MedGen CN239331.

gnomAD v4.1: 5 of 1,606,808 alleles (0.00031%); highest among the groups gnomAD compares: South Asian, 0.0055%; no homozygotes.

Submission:

Labcorp Genetics (formerly Invitae), Labcorp
Classification: Pathogenic for RYR1-Related Disorders. Last evaluated: 2018-07-05. Review status: criteria provided, single submitter. Criteria: Invitae Variant Classification Sherloc (09022015). Collection method: clinical testing. Allele origin: germline.
Comment: This sequence change creates a premature translational stop signal (p.Glu2404*) in the RYR1 gene. It is expected to result in an absent or disrupted protein product. This variant is not present in population databases (ExAC no frequency). This variant has not been reported in the literature in individuals with RYR1-related disease. Loss-of-function variants in RYR1 are known to be pathogenic (PMID: 20583297, 23919265). For these reasons, this variant has been classified as Pathogenic.